The following is an entry in ClinVar:

ClinVar aggregate classification (germline): Uncertain significance (1 of 4 stars; one submission).

Submission:

Labcorp Genetics (formerly Invitae), Labcorp
Classification: Uncertain significance. Last evaluated: 2022-06-08. Review status: criteria provided, single submitter. Criteria: Invitae Variant Classification Sherloc (09022015). Collection method: clinical testing. Allele origin: germline.
Comment: This sequence change replaces lysine, which is basic and polar, with arginine, which is basic and polar, at codon 673 of the RHOBTB2 protein (p.Lys673Arg). This variant is not present in population databases (gnomAD no frequency). This variant has not been reported in the literature in individuals affected with RHOBTB2-related conditions. Algorithms developed to predict the effect of missense changes on protein structure and function are either unavailable or do not agree on the potential impact of this missense change (SIFT: "Deleterious"; PolyPhen-2: "Benign"; Align-GVGD: "Class C25"). In summary, the available evidence is currently insufficient to determine the role of this variant in disease. Therefore, it has been classified as a Variant of Uncertain Significance.

NM_015178.3(RHOBTB2):c.1952A>G (p.Lys651Arg)

Gene: RHOBTB2 (Rho related BTB domain containing 2; plus strand). Cytogenetic location: 8p21.3.
Variant type: single nucleotide variant.
Coding change: c.1952A>G on transcript NM_015178.3 (MANE Select); coding-DNA position 1952, A replaced by G.
Protein change: p.Lys651Arg; replaces lysine 651 with arginine.
Molecular consequence: missense variant.
Genome position (GRCh38, 1-based): chr8:23,015,729, A>G. VCF-style: chr8-23015729-A-G. GRCh37 (hg19) VCF-style: chr8-22873242-A-G.
Other names: c.2018A>G, p.Lys673Arg (NM_001160036.2); c.1973A>G, p.Lys658Arg (NM_001160037.2); c.1952A>G, p.Lys651Arg (NM_001374791.1); short protein forms K651R, K658R, K673R.
Identifiers: ClinVar variation 1976049 (VCV001976049.5), dbSNP rs1811273075, ClinGen allele CA370576099.